The following is an entry in ClinVar:

ClinVar aggregate classification (germline): Uncertain significance (1 of 4 stars; one submission).

Conditions:
Hereditary cancer-predisposing syndrome. Also called: Hereditary Cancer Syndrome; Hereditary neoplastic syndrome; Neoplastic Syndromes, Hereditary; Tumor predisposition. Identifiers: Orphanet 140162, MedGen C0027672, MeSH D009386, MONDO:0015356.

Allele frequency attached by ClinVar (database versions not stated): TOPMed below 0.00001; gnomAD 0.00001.
gnomAD v4.1: 1 of 1,614,112 alleles (0.000062%); highest among the groups gnomAD compares: Non-Finnish European, 0.000085%; no homozygotes.

Submission:

Ambry Genetics
Classification: Uncertain significance for Hereditary cancer-predisposing syndrome. Last evaluated: 2025-08-06. Review status: criteria provided, single submitter. Criteria: Ambry Variant Classification Scheme 2023. Collection method: clinical testing. Allele origin: germline.
Comment: The p.R1423M variant (also known as c.4268G>T), located in coding exon 23 of the PTCH1 gene, results from a G to T substitution at nucleotide position 4268. The arginine at codon 1423 is replaced by methionine, an amino acid with similar properties. This amino acid position is well conserved in available vertebrate species. In addition, the in silico prediction for this alteration is inconclusive. Based on the available evidence, the clinical significance of this variant remains unclear.

NM_000264.5(PTCH1):c.4268G>T (p.Arg1423Met)

Gene: PTCH1 (patched 1; minus strand). Cytogenetic location: 9q22.32.
Variant type: single nucleotide variant.
Coding change: c.4268G>T on transcript NM_000264.5 (MANE Select); coding-DNA position 4268, G replaced by T.
Protein change: p.Arg1423Met; replaces arginine 1423 with methionine.
Molecular consequence: missense variant. On other transcripts: non-coding transcript variant (1).
Genome position (GRCh38, 1-based): chr9:95,446,988, C>A on the plus strand (G>T on the coding strand, the complement: PTCH1 is on the minus strand). VCF-style: chr9-95446988-C-A. GRCh37 (hg19) VCF-style: chr9-98209270-C-A.
Other names: c.4070G>T, p.Arg1357Met (NM_001083602.3); c.4265G>T, p.Arg1422Met (NM_001083603.3); c.3815G>T, p.Arg1272Met (NM_001083604.3, NM_001083605.3, NM_001083606.3 and 1 more transcripts); c.4112G>T, p.Arg1371Met (NM_001354918.2); short protein forms R1422M, R1371M, R1357M, R1272M, R1423M.
Identifiers: ClinVar variation 1739217 (VCV001739217.3), dbSNP rs1213795569, ClinGen allele CA374109992.
Genomic context (GRCh38, chr9:95,446,988, plus strand): 5'-CCCCGGGGCCTCTCCTCGCATTCCACGTCCTGCAGCTCAATGACTTCCACCTTCGAATCC[C>A]TCCTCTCACACCGGACGTGGAAAGGCACGTGGGGGTCCTCAAACAGGCCGTGGTCAGTCT-3'
Protein context (NP_000255.2, residues 1413-1433): HVPFHVRCER[Arg1423Met]DSKVEVIELQ